The following is an entry in ClinVar:

ClinVar aggregate classification (germline): Pathogenic (1 of 4 stars; one submission).

Submission:

Labcorp Genetics (formerly Invitae), Labcorp
Classification: Pathogenic. Last evaluated: 2023-05-18. Review status: criteria provided, single submitter. Criteria: Invitae Variant Classification Sherloc (09022015). Collection method: clinical testing. Allele origin: germline.
Comment: This sequence change creates a premature translational stop signal (p.Ser1096Metfs*90) in the LRP2 gene. It is expected to result in an absent or disrupted protein product. Loss-of-function variants in LRP2 are known to be pathogenic (PMID: 17632512, 25682901). This variant is not present in population databases (gnomAD no frequency). This variant has not been reported in the literature in individuals affected with LRP2-related conditions. For these reasons, this variant has been classified as Pathogenic.

Literature cited by the submitters: PubMed 17632512; PubMed 25682901.

NM_004525.3(LRP2):c.3287del (p.Ser1096fs)

Gene: LRP2 (LDL receptor related protein 2; minus strand). Cytogenetic location: 2q31.1.
Variant type: Deletion.
Coding change: c.3287del on transcript NM_004525.3 (MANE Select); coding-DNA position 3287, one base deleted (G; older notation c.3287delG).
Protein change: p.Ser1096fs; shifts the reading frame from serine 1096.
Molecular consequence: frameshift variant.
Genome position (GRCh38, 1-based): chr2:169,244,836, C deleted on the plus strand (G on the coding strand, the reverse complement: LRP2 is on the minus strand). VCF-style (leftmost placement, unchanged base first): chr2-169244835-AC-A. GRCh37 (hg19) VCF-style: chr2-170101345-AC-A.
Other names: short protein forms S1096fs.
Identifiers: ClinVar variation 2865344 (VCV002865344.3), dbSNP rs2528389966, ClinGen allele CA2739271585.